The following is an entry in ClinVar:

ClinVar aggregate classification (germline): Uncertain significance (1 of 4 stars; one submission).

Conditions:
Early-infantile DEE. Also called: Ohtahara syndrome; Early infantile epileptic encephalopathy with suppression bursts; Early infantile epileptic encephalopathy. Identifiers: Orphanet 1934, MedGen C0393706, MONDO:0800491.

gnomAD v4.1: 3 of 1,613,878 alleles (0.00019%); highest among the groups gnomAD compares: African/African-American, 0.0027%; no homozygotes.

Submission:

Labcorp Genetics (formerly Invitae), Labcorp
Classification: Uncertain significance for Early-infantile DEE. Last evaluated: 2025-04-03. Review status: criteria provided, single submitter. Criteria: Invitae Variant Classification Sherloc (09022015). Collection method: clinical testing. Allele origin: germline.
Comment: This sequence change replaces alanine, which is neutral and non-polar, with valine, which is neutral and non-polar, at codon 645 of the KCNH5 protein (p.Ala645Val). This variant is not present in population databases (gnomAD no frequency). This variant has not been reported in the literature in individuals affected with KCNH5-related conditions. ClinVar contains an entry for this variant (Variation ID: 3716503). Invitae Evidence Modeling of protein sequence and biophysical properties (such as structural, functional, and spatial information, amino acid conservation, physicochemical variation, residue mobility, and thermodynamic stability) indicates that this missense variant is not expected to disrupt KCNH5 protein function with a negative predictive value of 95%. In summary, the available evidence is currently insufficient to determine the role of this variant in disease. Therefore, it has been classified as a Variant of Uncertain Significance.

NM_139318.5(KCNH5):c.1934C>T (p.Ala645Val)

Gene: KCNH5 (potassium voltage-gated channel subfamily H member 5; minus strand). Cytogenetic location: 14q23.2.
Variant type: single nucleotide variant.
Coding change: c.1934C>T on transcript NM_139318.5 (MANE Select); coding-DNA position 1934, C replaced by T.
Protein change: p.Ala645Val; replaces alanine 645 with valine.
Molecular consequence: missense variant. On other transcripts: intron variant (1).
Genome position (GRCh38, 1-based): chr14:62,779,813, G>A on the plus strand (C>T on the coding strand, the complement: KCNH5 is on the minus strand). VCF-style: chr14-62779813-G-A. GRCh37 (hg19) VCF-style: chr14-63246531-G-A.
Other names: c.1822+22516C>T (NM_172375.3); short protein forms A645V.
Identifiers: ClinVar variation 3716503 (VCV003716503.2).